The following is an entry in ClinVar:

NM_002480.3(PPP1R12A):c.998G>A (p.Arg333His)

Gene: PPP1R12A (protein phosphatase 1 regulatory subunit 12A; minus strand). Cytogenetic location: 12q21.2.
Variant type: single nucleotide variant.
Coding change: c.998G>A on transcript NM_002480.3 (MANE Select); coding-DNA position 998, G replaced by A.
Protein change: p.Arg333His; replaces arginine 333 with histidine.
Molecular consequence: missense variant.
Genome position (GRCh38, 1-based): chr12:79,820,890, C>T on the plus strand (G>A on the coding strand, the complement: PPP1R12A is on the minus strand). VCF-style: chr12-79820890-C-T. GRCh37 (hg19) VCF-style: chr12-80214670-C-T.
Other names: c.998G>A, p.Arg333His (NM_001143885.2, NM_001244990.2, NM_001244992.1); c.737G>A, p.Arg246His (NM_001143886.2); short protein forms R333H, R246H.
Identifiers: ClinVar variation 2960522 (VCV002960522.3), dbSNP rs199627405, ClinGen allele CA6699770.

ClinVar aggregate classification (germline): Uncertain significance (1 of 4 stars; one submission).

Allele frequency attached by ClinVar (database versions not stated): gnomAD exomes 0.00001; ExAC 0.00002; TOPMed 0.00002; gnomAD 0.00003.
gnomAD v4.1: 15 of 1,613,342 alleles (0.00093%); highest among the groups gnomAD compares: African/African-American, 0.0027%; no homozygotes.

Submission:

Labcorp Genetics (formerly Invitae), Labcorp
Classification: Uncertain significance. Last evaluated: 2024-12-16. Review status: criteria provided, single submitter. Criteria: Invitae Variant Classification Sherloc (09022015). Collection method: clinical testing. Allele origin: germline.
Comment: This sequence change replaces arginine, which is basic and polar, with histidine, which is basic and polar, at codon 333 of the PPP1R12A protein (p.Arg333His). This variant is present in population databases (rs199627405, gnomAD 0.004%). This variant has not been reported in the literature in individuals affected with PPP1R12A-related conditions. ClinVar contains an entry for this variant (Variation ID: 2960522). An algorithm developed to predict the effect of missense changes on protein structure and function (PolyPhen-2) suggests that this variant is likely to be tolerated. In summary, the available evidence is currently insufficient to determine the role of this variant in disease. Therefore, it has been classified as a Variant of Uncertain Significance.